The following is an entry in ClinVar:

ClinVar aggregate classification (germline): Pathogenic/Likely pathogenic. Review status: criteria provided, multiple submitters, no conflicts (2 of 4 stars). 5 submissions from 4 submitters: Pathogenic (1); Likely pathogenic (4). Last evaluated 2024-04-16.

Conditions:
ADAMTSL4-related disorder. Also called: ADAMTSL4-related condition; ADAMTSL4-Related Disorders.
Ectopia lentis et pupillae. Also called: ECTOPIA LENTIS WITH ECTOPIA OF PUPIL. Identifiers: Orphanet 1885, MedGen C1644196, MONDO:0009153, OMIM 225200.
Ectopia lentis 2, isolated, autosomal recessive (ECTOL2). Identifiers: Orphanet 1885, MedGen C3541474, MONDO:0009152, OMIM 225100.

Submissions (5):

Labcorp Genetics (formerly Invitae), Labcorp
Classification: Pathogenic. Last evaluated: 2024-04-16. Review status: criteria provided, single submitter. Criteria: Invitae Variant Classification Sherloc (09022015). Collection method: clinical testing. Allele origin: germline.
Comment: This sequence change creates a premature translational stop signal (p.Ser674Cysfs*21) in the ADAMTSL4 gene. It is expected to result in an absent or disrupted protein product. Loss-of-function variants in ADAMTSL4 are known to be pathogenic (PMID: 20564469, 28642162). This variant is present in population databases (rs757032537, gnomAD 0.006%). This variant has not been reported in the literature in individuals affected with ADAMTSL4-related conditions. For these reasons, this variant has been classified as Pathogenic.

Genome-Nilou Lab
Classification: Likely pathogenic for Ectopia lentis et pupillae. Last evaluated: 2023-04-11. Review status: criteria provided, single submitter. Criteria: ACMG Guidelines, 2015. Collection method: clinical testing. Allele origin: germline. Affected: no.

Genome-Nilou Lab
Classification: Likely pathogenic for Ectopia lentis 2, isolated, autosomal recessive. Last evaluated: 2023-04-11. Review status: criteria provided, single submitter. Criteria: ACMG Guidelines, 2015. Collection method: clinical testing. Allele origin: germline. Affected: no.

Blueprint Genetics
Classification: Likely pathogenic for ADAMTSL4-related disorders. Last evaluated: 2022-10-18. Review status: criteria provided, single submitter. Criteria: ACMG Guidelines, 2015. Collection method: clinical testing. Allele origin: germline. Affected: yes. Observed: 4 variant alleles.

MGZ Medical Genetics Center
Classification: Likely pathogenic for Ectopia lentis 2, isolated, autosomal recessive. Last evaluated: 2022-02-01. Review status: criteria provided, single submitter. Criteria: ACMG Guidelines, 2015. Collection method: clinical testing. Allele origin: germline. Affected: yes. Observed: 1 variant allele.
Comment: ACMG criteria applied: PVS1, PM2_SUP

Literature cited by the submitters: PubMed 20564469 (cited by Labcorp Genetics (formerly Invitae), Labcorp); PubMed 28642162 (cited by Labcorp Genetics (formerly Invitae), Labcorp).

NM_019032.6(ADAMTSL4):c.2021_2022del (p.Ser674fs)

Genes: ADAMTSL4 (ADAMTS like 4; plus strand), ADAMTSL4-AS2 (ADAMTSL4 antisense RNA 2; minus strand). Cytogenetic location: 1q21.2.
Variant type: Microsatellite.
Coding change: c.2021_2022del on transcript NM_019032.6 (MANE Select); coding-DNA positions 2021 to 2022, 2 bases deleted (CT; older notation c.2021_2022delCT).
Protein change: p.Ser674fs; shifts the reading frame from serine 674.
Molecular consequence: frameshift variant.
Genome position (GRCh38, 1-based): chr1:150,557,309-150,557,310, CT deleted; deleting any 2 consecutive bases within chr1:150,557,307-150,557,310 gives the same sequence; the c. name uses the placement nearest the transcript's 3' end. VCF-style (leftmost placement, unchanged base first): chr1-150557306-ACT-A. GRCh37 (hg19) VCF-style: chr1-150529782-ACT-A.
Other names: c.1904_1905del, p.Ser635fs (NM_001288607.2); c.2090_2091del, p.Ser697fs (NM_001288608.2); c.2021_2022del, p.Ser674fs (NM_001378596.1, NM_025008.5); short protein forms S635fs, S674fs, S697fs.
Identifiers: ClinVar variation 1404163 (VCV001404163.10), dbSNP rs757032537, ClinGen allele CA1078485.